The following is an entry in ClinVar:

ClinVar aggregate classification (germline): Uncertain significance (1 of 4 stars; one submission).

Submission:

Labcorp Genetics (formerly Invitae), Labcorp
Classification: Uncertain significance. Last evaluated: 2022-08-16. Review status: criteria provided, single submitter. Criteria: Invitae Variant Classification Sherloc (09022015). Collection method: clinical testing. Allele origin: germline.
Comment: In summary, the available evidence is currently insufficient to determine the role of this variant in disease. Therefore, it has been classified as a Variant of Uncertain Significance. Advanced modeling of protein sequence and biophysical properties (such as structural, functional, and spatial information, amino acid conservation, physicochemical variation, residue mobility, and thermodynamic stability) performed at Invitae indicates that this missense variant is not expected to disrupt LRP2 protein function. This variant has not been reported in the literature in individuals affected with LRP2-related conditions. This variant is not present in population databases (gnomAD no frequency). This sequence change replaces glycine, which is neutral and non-polar, with alanine, which is neutral and non-polar, at codon 3387 of the LRP2 protein (p.Gly3387Ala).

NM_004525.3(LRP2):c.10160G>C (p.Gly3387Ala)

Gene: LRP2 (LDL receptor related protein 2; minus strand). Cytogenetic location: 2q31.1.
Variant type: single nucleotide variant.
Coding change: c.10160G>C on transcript NM_004525.3 (MANE Select); coding-DNA position 10160, G replaced by C.
Protein change: p.Gly3387Ala; replaces glycine 3387 with alanine.
Molecular consequence: missense variant.
Genome position (GRCh38, 1-based): chr2:169,181,457, C>G on the plus strand (G>C on the coding strand, the complement: LRP2 is on the minus strand). VCF-style: chr2-169181457-C-G. GRCh37 (hg19) VCF-style: chr2-170037967-C-G.
Other names: short protein forms G3387A.
Identifiers: ClinVar variation 2115310 (VCV002115310.4), dbSNP rs1040940590, ClinGen allele CA349150743.